The following is an entry in ClinVar:

ClinVar aggregate classification (germline): Uncertain significance. Review status: criteria provided, multiple submitters, no conflicts (2 of 4 stars). 2 submissions from 2 submitters: Uncertain significance (2). Last evaluated 2025-02-21.

Conditions:
AKR1C4-related disorder. Also called: AKR1C4-related condition.

Allele frequency attached by ClinVar (database versions not stated): 1000 Genomes Project 30x 0.00016; 1000 Genomes Project 0.00020.
gnomAD v4.1: 79 of 1,613,816 alleles (0.0049%); highest among the groups gnomAD compares: East Asian, 0.047%; no homozygotes.

Submissions (2):

PreventionGenetics, part of Exact Sciences
Classification: Uncertain significance for AKR1C4-related condition. Last evaluated: 2025-02-21. Review status: criteria provided, single submitter. Criteria: ACMG Guidelines, 2015. Collection method: clinical testing. Allele origin: germline.
Comment: The AKR1C4 c.826C>T variant is predicted to result in the amino acid substitution p.Arg276Trp. To our knowledge, this variant has not been reported in the literature. This variant is reported in 0.050% of alleles in individuals of East Asian descent in gnomAD. At this time, the clinical significance of this variant is uncertain due to the absence of conclusive functional and genetic evidence.

Ambry Genetics
Classification: Uncertain significance. Last evaluated: 2023-08-22. Review status: criteria provided, single submitter. Criteria: Ambry Variant Classification Scheme 2023. Collection method: clinical testing. Allele origin: germline.

NM_001818.5(AKR1C4):c.826C>T (p.Arg276Trp)

Gene: AKR1C4 (aldo-keto reductase family 1 member C4; plus strand). Cytogenetic location: 10p15.1.
Variant type: single nucleotide variant.
Coding change: c.826C>T on transcript NM_001818.5 (MANE Select); coding-DNA position 826, C replaced by T.
Protein change: p.Arg276Trp; replaces arginine 276 with tryptophan.
Molecular consequence: missense variant.
Genome position (GRCh38, 1-based): chr10:5,213,139, C>T. VCF-style: chr10-5213139-C-T. GRCh37 (hg19) VCF-style: chr10-5255102-C-T.
Other names: short protein forms R276W.
Identifiers: ClinVar variation 2603849 (VCV002603849.4), dbSNP rs529198618, ClinGen allele CA5391599.